The following is an entry in ClinVar:

NM_006949.4(STXBP2):c.1653C>G (p.Tyr551Ter)

Gene: STXBP2 (syntaxin binding protein 2; plus strand). Cytogenetic location: 19p13.2.
Variant type: single nucleotide variant.
Coding change: c.1653C>G on transcript NM_006949.4 (MANE Select); coding-DNA position 1653, C replaced by G.
Protein change: p.Tyr551Ter; replaces tyrosine 551 with a stop codon.
Molecular consequence: nonsense. On other transcripts: non-coding transcript variant (1).
Genome position (GRCh38, 1-based): chr19:7,647,468, C>G. VCF-style: chr19-7647468-C-G. GRCh37 (hg19) VCF-style: chr19-7712354-C-G.
Other names: c.1644C>G, p.Tyr548Ter (NM_001127396.3); c.1686C>G, p.Tyr562Ter (NM_001272034.2); c.1557C>G, p.Tyr519Ter (NM_001414484.1); short protein forms Y551*, Y548*, Y562*, Y519*.
Identifiers: ClinVar variation 2116493 (VCV002116493.4), dbSNP rs767500700, ClinGen allele CA9144283.

ClinVar aggregate classification (germline): Uncertain significance (1 of 4 stars; one submission).

Conditions:
Familial hemophagocytic lymphohistiocytosis 5. Also called: STXBP2-Related Familial Hemophagocytic Lymphohistiocytosis (STXBP2-fHLH). Identifiers: Orphanet 540, MedGen C2751293, MONDO:0013135, OMIM 613101.

Submission:

Labcorp Genetics (formerly Invitae), Labcorp
Classification: Uncertain significance for Familial hemophagocytic lymphohistiocytosis 5. Last evaluated: 2022-04-20. Review status: criteria provided, single submitter. Criteria: Invitae Variant Classification Sherloc (09022015). Collection method: clinical testing. Allele origin: germline.
Comment: This variant is present in population databases (rs767500700, gnomAD 0.006%). This sequence change creates a premature translational stop signal (p.Tyr551*) in the STXBP2 gene. While this is not anticipated to result in nonsense mediated decay, it is expected to disrupt the last 43 amino acid(s) of the STXBP2 protein. This variant has not been reported in the literature in individuals affected with STXBP2-related conditions. In summary, the available evidence is currently insufficient to determine the role of this variant in disease. Therefore, it has been classified as a Variant of Uncertain Significance. This variant disrupts a region of the STXBP2 protein in which other variant(s) (p.Gly566Asp) have been observed in individuals with STXBP2-related conditions (PMID: 22796692, 31976148). This suggests that this is a clinically significant region of the protein, and that variants that disrupt it are likely to be disease-causing.

Literature cited by the submitters: PubMed 22796692; PubMed 31976148.